The following is an entry in ClinVar:

NM_004064.5(CDKN1B):c.476-9T>A

Gene: CDKN1B (cyclin dependent kinase inhibitor 1B; plus strand). Cytogenetic location: 12p13.1.
Variant type: single nucleotide variant.
Coding change: c.476-9T>A on transcript NM_004064.5 (MANE Select); 9 bases into the intron before coding-DNA position 476, T replaced by A.
Molecular consequence: intron variant.
Genome position (GRCh38, 1-based): chr12:12,718,816, T>A. VCF-style: chr12-12718816-T-A. GRCh37 (hg19) VCF-style: chr12-12871750-T-A.
Identifiers: ClinVar variation 2710051 (VCV002710051.3), dbSNP rs2497407341, ClinGen allele CA2617686880.

ClinVar aggregate classification (germline): Uncertain significance (1 of 4 stars; one submission).

Conditions:
Multiple endocrine neoplasia type 4. Also called: MULTIPLE ENDOCRINE NEOPLASIA, TYPE IV. Identifiers: Orphanet 276152, MedGen C1970712, MONDO:0012552, OMIM 610755.

Submission:

Labcorp Genetics (formerly Invitae), Labcorp
Classification: Uncertain significance for Multiple endocrine neoplasia type 4. Last evaluated: 2024-01-18. Review status: criteria provided, single submitter. Criteria: Invitae Variant Classification Sherloc (09022015). Collection method: clinical testing. Allele origin: germline.
Comment: This sequence change falls in intron 1 of the CDKN1B gene. It does not directly change the encoded amino acid sequence of the CDKN1B protein. This variant is not present in population databases (gnomAD no frequency). This variant has not been reported in the literature in individuals affected with CDKN1B-related conditions. Algorithms developed to predict the effect of sequence changes on RNA splicing suggest that this variant may disrupt the consensus splice site. In summary, the available evidence is currently insufficient to determine the role of this variant in disease. Therefore, it has been classified as a Variant of Uncertain Significance.